The following is an entry in ClinVar:

NM_000392.5(ABCC2):c.357C>T (p.Tyr119=)

Gene: ABCC2 (ATP binding cassette subfamily C member 2; plus strand). Cytogenetic location: 10q24.2.
Variant type: single nucleotide variant.
Coding change: c.357C>T on transcript NM_000392.5 (MANE Select); coding-DNA position 357, C replaced by T.
Protein change: p.Tyr119=; no amino-acid change (tyrosine 119 retained).
Molecular consequence: synonymous variant.
Genome position (GRCh38, 1-based): chr10:99,793,574, C>T. VCF-style: chr10-99793574-C-T. GRCh37 (hg19) VCF-style: chr10-101553331-C-T.
Identifiers: ClinVar variation 3029704 (VCV003029704.2), dbSNP rs1329074450, ClinGen allele CA471122888.

ClinVar aggregate classification (germline): Likely benign (0 of 4 stars; one submission).

Conditions:
ABCC2-related disorder. Also called: ABCC2-related condition.

gnomAD v4.1: 2 of 1,614,138 alleles (0.00012%); highest among the groups gnomAD compares: Admixed American, 0.0033%; no homozygotes.

Submission:

PreventionGenetics, part of Exact Sciences
Classification: Likely benign for ABCC2-related condition. Last evaluated: 2022-02-22. Review status: no assertion criteria provided. Collection method: clinical testing. Allele origin: germline.
Comment: This variant is classified as likely benign based on ACMG/AMP sequence variant interpretation guidelines (Richards et al. 2015 PMID: 25741868, with internal and published modifications).